The following is an entry in ClinVar:

NM_032951.3(MLXIPL):c.932C>T (p.Pro311Leu)

Gene: MLXIPL (MLX interacting protein like; minus strand). Cytogenetic location: 7q11.23.
Variant type: single nucleotide variant.
Coding change: c.932C>T on transcript NM_032951.3 (MANE Select); coding-DNA position 932, C replaced by T.
Protein change: p.Pro311Leu; replaces proline 311 with leucine.
Molecular consequence: missense variant. On other transcripts: non-coding transcript variant (1).
Genome position (GRCh38, 1-based): chr7:73,599,665, G>A on the plus strand (C>T on the coding strand, the complement: MLXIPL is on the minus strand). VCF-style: chr7-73599665-G-A. GRCh37 (hg19) VCF-style: chr7-73013995-G-A.
Other names: c.932C>T, p.Pro311Leu (NM_032952.3, NM_032953.3, NM_032954.3); short protein forms P311L.
Identifiers: ClinVar variation 2657559 (VCV002657559.24), dbSNP rs146487355, ClinGen allele CA4289350.

ClinVar aggregate classification (germline): Likely benign (1 of 4 stars; one submission).

Allele frequency attached by ClinVar (database versions not stated): 1000 Genomes Project 30x 0.00031; 1000 Genomes Project 0.00040; TOPMed 0.00130; gnomAD 0.00131; ExAC 0.00137; ESP Exome Variant Server 0.00161; gnomAD exomes 0.00275.
gnomAD v4.1: 4,190 of 1,607,314 alleles (0.26%); highest among the groups gnomAD compares: Non-Finnish European, 0.33%; 10 homozygotes.

Submission:

CeGaT Center for Human Genetics Tuebingen
Classification: Likely benign. Last evaluated: 2024-04-01. Review status: criteria provided, single submitter. Criteria: CeGaT Center For Human Genetics Tuebingen Variant Classification Criteria Version 2. Collection method: clinical testing. Allele origin: germline. Affected: yes. Observed: 2 variant alleles.
Comment: MLXIPL: BP4